The following is an entry in ClinVar:

ClinVar aggregate classification (germline): Uncertain significance (1 of 4 stars; one submission).

Allele frequency attached by ClinVar (database versions not stated): TOPMed 0.00004; gnomAD 0.00005.

Submission:

Labcorp Genetics (formerly Invitae), Labcorp
Classification: Uncertain significance. Last evaluated: 2025-06-30. Review status: criteria provided, single submitter. Criteria: Invitae Variant Classification Sherloc (09022015). Collection method: clinical testing. Allele origin: germline.
Comment: This sequence change replaces arginine, which is basic and polar, with glutamine, which is neutral and polar, at codon 206 of the SUCLG2 protein (p.Arg206Gln). This variant is present in population databases (rs748940563, gnomAD 0.007%). This variant has not been reported in the literature in individuals affected with SUCLG2-related conditions. ClinVar contains an entry for this variant (Variation ID: 1924839). An algorithm developed to predict the effect of missense changes on protein structure and function outputs the following: PolyPhen-2: "Benign". The glutamine amino acid residue is found in multiple mammalian species, which suggests that this missense change does not adversely affect protein function. In summary, the available evidence is currently insufficient to determine the role of this variant in disease. Therefore, it has been classified as a Variant of Uncertain Significance.

NM_003848.4(SUCLG2):c.617G>A (p.Arg206Gln)

Gene: SUCLG2 (succinate-CoA ligase GDP-forming subunit beta; minus strand). Cytogenetic location: 3p14.1.
Variant type: single nucleotide variant.
Coding change: c.617G>A on transcript NM_003848.4 (MANE Select); coding-DNA position 617, G replaced by A.
Protein change: p.Arg206Gln; replaces arginine 206 with glutamine.
Molecular consequence: missense variant.
Genome position (GRCh38, 1-based): chr3:67,518,290, C>T on the plus strand (G>A on the coding strand, the complement: SUCLG2 is on the minus strand). VCF-style: chr3-67518290-C-T. GRCh37 (hg19) VCF-style: chr3-67568714-C-T.
Other names: c.617G>A, p.Arg206Gln (NM_001177599.2); short protein forms R206Q.
Identifiers: ClinVar variation 1924839 (VCV001924839.5), dbSNP rs748940563, ClinGen allele CA2485959.